The following is an entry in ClinVar:

NM_002393.5(MDM4):c.1426A>G (p.Ile476Val)

Gene: MDM4 (MDM4 regulator of p53; plus strand). Cytogenetic location: 1q32.1.
Variant type: single nucleotide variant.
Coding change: c.1426A>G on transcript NM_002393.5 (MANE Select); coding-DNA position 1426, A replaced by G.
Protein change: p.Ile476Val; replaces isoleucine 476 with valine.
Molecular consequence: missense variant. On other transcripts: 3 prime UTR variant (2).
Genome position (GRCh38, 1-based): chr1:204,549,635, A>G. VCF-style: chr1-204549635-A-G. GRCh37 (hg19) VCF-style: chr1-204518763-A-G.
Other names: c.1276A>G, p.Ile426Val (NM_001204171.2); c.448A>G, p.Ile150Val (NM_001204172.2); c.*935A>G (NM_001278516.2); c.1132A>G, p.Ile378Val (NM_001278517.2); c.*596A>G (NM_001278518.2); c.757A>G, p.Ile253Val (NM_001278519.2); short protein forms I378V, I253V, I426V, I150V, I476V.
Identifiers: ClinVar variation 4983626 (VCV004983626.1).

ClinVar aggregate classification (germline): Uncertain significance (1 of 4 stars; one submission).

Conditions:
MDM4-related disorder. Also called: MDM4-related condition.

Submission:

PreventionGenetics, part of Exact Sciences
Classification: Uncertain significance for MDM4-related condition. Last evaluated: 2025-12-22. Review status: criteria provided, single submitter. Criteria: ACMG Guidelines, 2015. Collection method: clinical testing. Allele origin: germline.
Comment: The MDM4 c.1426A>G variant is predicted to result in the amino acid substitution p.Ile476Val. To our knowledge, this variant has not been reported in the literature or in a large population database (gnomAD), indicating this variant is rare. At this time, the clinical significance of this variant is uncertain due to the absence of conclusive functional and genetic evidence.